The following is an entry in ClinVar:

NM_001378778.1(MPDZ):c.589G>A (p.Asp197Asn)

Gene: MPDZ (multiple PDZ domain crumbs cell polarity complex component; minus strand). Cytogenetic location: 9p23.
Variant type: single nucleotide variant.
Coding change: c.589G>A on transcript NM_001378778.1 (MANE Select); coding-DNA position 589, G replaced by A.
Protein change: p.Asp197Asn; replaces aspartic acid 197 with asparagine.
Molecular consequence: missense variant.
Genome position (GRCh38, 1-based): chr9:13,222,391, C>T on the plus strand (G>A on the coding strand, the complement: MPDZ is on the minus strand). VCF-style: chr9-13222391-C-T. GRCh37 (hg19) VCF-style: chr9-13222390-C-T.
Other names: c.589G>A, p.Asp197Asn (NM_001261406.2, NM_001261407.2, NM_001330637.2 and 14 more transcripts); short protein forms D197N.
Identifiers: ClinVar variation 1390859 (VCV001390859.6), dbSNP rs2136306427, ClinGen allele CA372947265.
Genomic context (GRCh38, chr9:13,222,391, plus strand): 5'-GGACAGTATCTTTGGCTTTCTGCAGGATGCTGATAGCCTGCTGATGTGTAATTGTCTGAT[C>T]AAGAGCCTGTCCATTGATAGCAAGAATTTGATCAGTTTCTTTCAATCTTCCATCTCTATC-3'
Protein context (NP_001365707.1, residues 187-207): QILAINGQAL[Asp197Asn]QTITHQQAIS

ClinVar aggregate classification (germline): Uncertain significance (1 of 4 stars; one submission).

Allele frequency attached by ClinVar (database versions not stated): gnomAD exomes below 0.00001.
gnomAD v4.1: 1 of 1,612,778 alleles (0.000062%); highest among the groups gnomAD compares: Non-Finnish European, 0.000085%; no homozygotes.

Submission:

Labcorp Genetics (formerly Invitae), Labcorp
Classification: Uncertain significance. Last evaluated: 2022-07-06. Review status: criteria provided, single submitter. Criteria: Invitae Variant Classification Sherloc (09022015). Collection method: clinical testing. Allele origin: germline.
Comment: This variant has not been reported in the literature in individuals affected with MPDZ-related conditions. In summary, the available evidence is currently insufficient to determine the role of this variant in disease. Therefore, it has been classified as a Variant of Uncertain Significance. Algorithms developed to predict the effect of missense changes on protein structure and function are either unavailable or do not agree on the potential impact of this missense change (SIFT: "Deleterious"; PolyPhen-2: "Probably Damaging"; Align-GVGD: "Class C15"). ClinVar contains an entry for this variant (Variation ID: 1390859). This variant is not present in population databases (gnomAD no frequency). This sequence change replaces aspartic acid, which is acidic and polar, with asparagine, which is neutral and polar, at codon 197 of the MPDZ protein (p.Asp197Asn).